The following is an entry in ClinVar:

ClinVar aggregate classification (germline): Uncertain significance. Review status: criteria provided, multiple submitters, no conflicts (2 of 4 stars). 3 submissions from 3 submitters: Uncertain significance (3). Last evaluated 2023-12-13.

Conditions:
Early-infantile DEE. Also called: Early infantile epileptic encephalopathy with suppression bursts; Early infantile epileptic encephalopathy; Ohtahara syndrome. Identifiers: Orphanet 1934, MedGen C0393706, MONDO:0800491.

gnomAD v4.1: 25 of 1,613,532 alleles (0.0015%); highest among the groups gnomAD compares: Non-Finnish European, 0.0019%; no homozygotes.

Submissions (3):

Labcorp Genetics (formerly Invitae), Labcorp
Classification: Uncertain significance for Early-infantile DEE. Last evaluated: 2023-12-13. Review status: criteria provided, single submitter. Criteria: Invitae Variant Classification Sherloc (09022015). Collection method: clinical testing. Allele origin: germline.
Comment: This sequence change replaces arginine, which is basic and polar, with threonine, which is neutral and polar, at codon 1963 of the SCN1A protein (p.Arg1963Thr). This variant is present in population databases (no rsID available, gnomAD 0.0009%). This variant has not been reported in the literature in individuals affected with SCN1A-related conditions. ClinVar contains an entry for this variant (Variation ID: 1803594). Advanced modeling of protein sequence and biophysical properties (such as structural, functional, and spatial information, amino acid conservation, physicochemical variation, residue mobility, and thermodynamic stability) performed at Invitae indicates that this missense variant is not expected to disrupt SCN1A protein function with a negative predictive value of 95%. In summary, the available evidence is currently insufficient to determine the role of this variant in disease. Therefore, it has been classified as a Variant of Uncertain Significance.

CeGaT Center for Human Genetics Tuebingen
Classification: Uncertain significance. Last evaluated: 2022-12-01. Review status: criteria provided, single submitter. Criteria: CeGaT Center For Human Genetics Tuebingen Variant Classification Criteria Version 2. Collection method: clinical testing. Allele origin: germline. Affected: yes. Observed: 1 variant allele.
Comment: SCN1A: PP2

GeneDx
Classification: Uncertain significance. Last evaluated: 2022-06-09. Review status: criteria provided, single submitter. Criteria: GeneDx Variant Classification Process June 2021. Collection method: clinical testing. Allele origin: germline. Affected: yes.
Comment: Not observed at significant frequency in large population cohorts (gnomAD); Missense variants in this gene are often considered pathogenic (HGMD); In silico analysis supports that this missense variant does not alter protein structure/function; Has not been previously published as pathogenic or benign to our knowledge; This substitution is predicted to be within the C-terminal cytoplasmic domain

NM_001165963.4(SCN1A):c.5888G>C (p.Arg1963Thr)

Genes: SCN1A (sodium voltage-gated channel alpha subunit 1; minus strand), LOC102724058 (uncharacterized LOC102724058; plus strand). Cytogenetic location: 2q24.3.
Variant type: single nucleotide variant.
Coding change: c.5888G>C on transcript NM_001165963.4 (MANE Select); coding-DNA position 5888, G replaced by C.
Protein change: p.Arg1963Thr; replaces arginine 1963 with threonine.
Molecular consequence: missense variant. On other transcripts: non-coding transcript variant (1).
Genome position (GRCh38, 1-based): chr2:165,991,387, C>G on the plus strand (G>C on the coding strand, the complement: SCN1A is on the minus strand). VCF-style: chr2-165991387-C-G. GRCh37 (hg19) VCF-style: chr2-166847897-C-G.
Other names: c.5855G>C, p.Arg1952Thr (NM_006920.6, NM_001353949.2, NM_001353950.2 and 2 more transcripts); c.5804G>C, p.Arg1935Thr (NM_001165964.3, NM_001353957.2, NM_001353958.2); c.5888G>C, p.Arg1963Thr (NM_001202435.3, NM_001353948.2); c.5852G>C, p.Arg1951Thr (NM_001353954.2, NM_001353955.2); c.5801G>C, p.Arg1934Thr (NM_001353960.2); c.3446G>C, p.Arg1149Thr (NM_001353961.2); short protein forms R1149T, R1934T, R1935T, R1951T, R1952T, R1963T.
Identifiers: ClinVar variation 1803594 (VCV001803594.33), dbSNP rs1193501611, ClinGen allele CA349063331.